The following is an entry in ClinVar:

NM_003742.4(ABCB11):c.2936A>G (p.Asn979Ser)

Gene: ABCB11 (ATP binding cassette subfamily B member 11; minus strand). Cytogenetic location: 2q31.1.
Variant type: single nucleotide variant.
Coding change: c.2936A>G on transcript NM_003742.4 (MANE Select); coding-DNA position 2936, A replaced by G.
Protein change: p.Asn979Ser; replaces asparagine 979 with serine.
Molecular consequence: missense variant.
Genome position (GRCh38, 1-based): chr2:168,935,304, T>C on the plus strand (A>G on the coding strand, the complement: ABCB11 is on the minus strand). VCF-style: chr2-168935304-T-C. GRCh37 (hg19) VCF-style: chr2-169791814-T-C.
Other names: short protein forms N979S.
Identifiers: ClinVar variation 3252982 (VCV003252982.1), dbSNP rs1574405020.

ClinVar aggregate classification (germline): Uncertain significance (1 of 4 stars; one submission).

Submission:

GeneDx
Classification: Uncertain significance. Last evaluated: 2023-10-05. Review status: criteria provided, single submitter. Criteria: GeneDx Variant Classification Process June 2021. Collection method: clinical testing. Allele origin: germline. Affected: yes.
Comment: Has not been previously published as pathogenic or benign to our knowledge; Not observed at significant frequency in large population cohorts (gnomAD); In silico analysis supports that this missense variant does not alter protein structure/function; In silico analysis suggests this variant may impact gene splicing. In the absence of RNA/functional studies, the actual effect of this sequence change is unknown.